The following is an entry in ClinVar:

NM_000059.4(BRCA2):c.6920C>A (p.Ser2307Ter)

Gene: BRCA2 (BRCA2 DNA repair associated; plus strand). Cytogenetic location: 13q13.1.
Variant type: single nucleotide variant.
Coding change: c.6920C>A on transcript NM_000059.4 (MANE Select); coding-DNA position 6920, C replaced by A.
Protein change: p.Ser2307Ter; replaces serine 2307 with a stop codon.
Molecular consequence: nonsense.
Genome position (GRCh38, 1-based): chr13:32,344,636, C>A. VCF-style: chr13-32344636-C-A. GRCh37 (hg19) VCF-style: chr13-32918773-C-A.
Other names: short protein forms S2307*.
Identifiers: ClinVar variation 1073252 (VCV001073252.9), dbSNP rs2137537327, ClinGen allele CA387792924.
Genomic context (GRCh38, chr13:32,344,636, plus strand): 5'-GAAACTTATTAAATGAATTTGACAGGATAATAGAAAATCAAGAAAAATCCTTAAAGGCTT[C>A]AAAAAGCACTCCAGATGGTAAAATTAGCTTTTTATTTATATCTGTTCTCCCTCTATAGGT-3'

ClinVar aggregate classification (germline): Pathogenic (1 of 4 stars; one submission).

Conditions:
Hereditary breast ovarian cancer syndrome. Also called: Hereditary breast and ovarian cancer syndrome (HBOC); Hereditary breast and/or ovarian cancer syndrome; Hereditary breast and ovarian cancer; BRCA1- and BRCA2-Associated Hereditary Breast and Ovarian Cancer; Hereditary breast and ovarian cancer syndrome; Breast and ovarian cancer. Identifiers: Orphanet 145, MedGen C0677776, MeSH D061325, MONDO:0003582. Disease mechanism: loss of function.

Submission:

Labcorp Genetics (formerly Invitae), Labcorp
Classification: Pathogenic for Hereditary breast ovarian cancer syndrome. Last evaluated: 2020-01-31. Review status: criteria provided, single submitter. Criteria: Invitae Variant Classification Sherloc (09022015). Collection method: clinical testing. Allele origin: germline.
Comment: For these reasons, this variant has been classified as Pathogenic. Loss-of-function variants in BRCA2 are known to be pathogenic (PMID: 20104584). This variant has not been reported in the literature in individuals with BRCA2-related conditions. This variant is not present in population databases (ExAC no frequency). This sequence change creates a premature translational stop signal (p.Ser2307*) in the BRCA2 gene. It is expected to result in an absent or disrupted protein product.

Literature cited by the submitters: PubMed 20104584.